The following is an entry in ClinVar:

NM_000368.5(TSC1):c.3381G>A (p.Val1127=)

Gene: TSC1 (TSC complex subunit 1; minus strand). Cytogenetic location: 9q34.13.
Variant type: single nucleotide variant.
Coding change: c.3381G>A on transcript NM_000368.5 (MANE Select); coding-DNA position 3381, G replaced by A.
Protein change: p.Val1127=; no amino-acid change (valine 1127 retained).
Molecular consequence: synonymous variant.
Genome position (GRCh38, 1-based): chr9:132,896,349, C>T on the plus strand (G>A on the coding strand, the complement: TSC1 is on the minus strand). VCF-style: chr9-132896349-C-T. GRCh37 (hg19) VCF-style: chr9-135771736-C-T.
Other names: c.3378G>A, p.Val1126= (NM_001162426.2); c.3228G>A, p.Val1076= (NM_001162427.2); c.3018G>A, p.Val1006= (NM_001362177.2).
Identifiers: ClinVar variation 466135 (VCV000466135.16), dbSNP rs773586317, ClinGen allele CA036672.
Genomic context (GRCh38, chr9:132,896,349, plus strand): 5'-ACTGTCCGGGGTCGGGGGAGACGGGTGAGGGCCATCTAGGTTCAGGGGAATCTTGGCTTC[C>T]ACACCCAAGTCTTTGCCCAGTTCTGTCTTTAGGCTCTCAGAAAGGCTACTGGTCATGCCG-3'
Protein context (NP_000359.1, residues 1117-1137): LKTELGKDLG[Val1127=]EAKIPLNLDG

ClinVar aggregate classification (germline): Benign/Likely benign. Review status: criteria provided, multiple submitters, no conflicts (2 of 4 stars). 6 submissions from 6 submitters: Benign (2); Likely benign (4). Last evaluated 2025-12-09.

Conditions:
Tuberous sclerosis syndrome (TSC). Also called: Tuberous Sclerosis Complex; Tuberous sclerosis. Identifiers: Orphanet 805, MedGen C0041341, MONDO:0001734.
Hereditary cancer-predisposing syndrome. Also called: Hereditary neoplastic syndrome; Neoplastic Syndromes, Hereditary; Tumor predisposition; Hereditary Cancer Syndrome. Identifiers: Orphanet 140162, MedGen C0027672, MeSH D009386, MONDO:0015356.
Tuberous sclerosis 1 (TSC1). Identifiers: Orphanet 805, MedGen C1854465, MONDO:0008612, OMIM 191100.

Allele frequency attached by ClinVar (database versions not stated): gnomAD exomes 0.00001; TOPMed 0.00001; ExAC 0.00002.
gnomAD v4.1: 4 of 1,614,180 alleles (0.00025%); highest among the groups gnomAD compares: East Asian, 0.0089%; no homozygotes.

Submissions (6):

Labcorp Genetics (formerly Invitae), Labcorp
Classification: Likely benign for Tuberous sclerosis 1. Last evaluated: 2025-12-09. Review status: criteria provided, single submitter. Criteria: Invitae Variant Classification Sherloc (09022015). Collection method: clinical testing. Allele origin: germline.

Myriad Genetics, Inc.
Classification: Benign for Tuberous sclerosis 1. Last evaluated: 2025-04-30. Review status: criteria provided, single submitter. Criteria: Myriad Autosomal Dominant, Autosomal Recessive and X-Linked Classification Criteria (2023). Collection method: clinical testing. Allele origin: unknown.
Comment: This variant is considered benign. This variant is a silent/synonymous amino acid change and it is not expected to impact splicing.

Color Diagnostics, LLC DBA Color Health
Classification: Likely benign for Tuberous sclerosis syndrome. Last evaluated: 2022-11-06. Review status: criteria provided, single submitter. Criteria: ACMG Guidelines, 2015. Collection method: clinical testing. Allele origin: germline.

Ambry Genetics
Classification: Likely benign for Hereditary cancer-predisposing syndrome. Last evaluated: 2022-10-09. Review status: criteria provided, single submitter. Criteria: Ambry Variant Classification Scheme 2023. Collection method: clinical testing. Allele origin: germline.

Genome-Nilou Lab
Classification: Benign for Tuberous sclerosis 1. Last evaluated: 2021-11-07. Review status: criteria provided, single submitter. Criteria: ACMG Guidelines, 2015. Collection method: clinical testing. Allele origin: germline. Affected: no.

GeneDx
Classification: Likely benign. Last evaluated: 2017-01-20. Review status: criteria provided, single submitter. Criteria: GeneDx Variant Classification (06012015). Collection method: clinical testing. Allele origin: germline. Affected: yes.
Comment: This variant is considered likely benign or benign based on one or more of the following criteria: it is a conservative change, it occurs at a poorly conserved position in the protein, it is predicted to be benign by multiple in silico algorithms, and/or has population frequency not consistent with disease.